The following is an entry in ClinVar:

NM_144687.4(NLRP12):c.2055C>G (p.His685Gln)

Gene: NLRP12 (NLR family pyrin domain containing 12; minus strand). Cytogenetic location: 19q13.42.
Variant type: single nucleotide variant.
Coding change: c.2055C>G on transcript NM_144687.4 (MANE Select); coding-DNA position 2055, C replaced by G.
Protein change: p.His685Gln; replaces histidine 685 with glutamine.
Molecular consequence: missense variant.
Genome position (GRCh38, 1-based): chr19:53,809,604, G>C on the plus strand (C>G on the coding strand, the complement: NLRP12 is on the minus strand). VCF-style: chr19-53809604-G-C. GRCh37 (hg19) VCF-style: chr19-54312858-G-C.
Other names: c.2055C>G, p.His685Gln (NM_001277126.2, NM_001277129.1); c.2055C>G (NM_144687.2); short protein forms H685Q.
Identifiers: ClinVar variation 1357125 (VCV001357125.9), dbSNP rs374387350, ClinGen allele CA9639277.
Genomic context (GRCh38, chr19:53,809,604, plus strand): 5'-CACGAACCTAAGCAGCCCCAGGGGATACCCCAGGGATACTTACAGCTGCACCAACAGCGT[G>C]TGCGCTCCTGCGGAGCACCTCGCGCGGTCTTCCCCGTCCGCGCTGTAGGTGGCGCCATAC-3'
Protein context (NP_653288.1, residues 675-695): EDRARCSAGA[His685Gln]TLLVQLPERT

ClinVar aggregate classification (germline): Conflicting classifications of pathogenicity. Review status: criteria provided, conflicting classifications (1 of 4 stars). 2 submissions from 2 submitters: Uncertain significance (1); Likely benign (1). Last evaluated 2025-03-28.

Conditions:
Inborn genetic diseases. Identifiers: MedGen C0950123, MeSH D030342.
Familial cold autoinflammatory syndrome 2 (FCAS2). Identifiers: Orphanet 247868, MedGen C2673198, MONDO:0012724, OMIM 611762.

Allele frequency attached by ClinVar (database versions not stated): ExAC 0.00001; gnomAD exomes 0.00001; gnomAD 0.00002; TOPMed 0.00002; ESP Exome Variant Server 0.00008.
gnomAD v4.1: 13 of 1,611,690 alleles (0.00081%); highest among the groups gnomAD compares: African/African-American, 0.0013%; no homozygotes.

Submissions (2):

Ambry Genetics
Classification: Likely benign for Inborn genetic diseases. Last evaluated: 2025-03-28. Review status: criteria provided, single submitter. Criteria: Ambry Variant Classification Scheme 2023. Collection method: clinical testing. Allele origin: germline.

Labcorp Genetics (formerly Invitae), Labcorp
Classification: Uncertain significance for Familial cold autoinflammatory syndrome 2. Last evaluated: 2024-04-09. Review status: criteria provided, single submitter. Criteria: Invitae Variant Classification Sherloc (09022015). Collection method: clinical testing. Allele origin: germline.
Comment: This sequence change replaces histidine, which is basic and polar, with glutamine, which is neutral and polar, at codon 685 of the NLRP12 protein (p.His685Gln). This variant is present in population databases (rs374387350, gnomAD 0.004%). This variant has not been reported in the literature in individuals affected with NLRP12-related conditions. ClinVar contains an entry for this variant (Variation ID: 1357125). Algorithms developed to predict the effect of missense changes on protein structure and function output the following: SIFT: "Not Available"; PolyPhen-2: "Benign"; Align-GVGD: "Not Available". The glutamine amino acid residue is found in multiple mammalian species, which suggests that this missense change does not adversely affect protein function. In summary, the available evidence is currently insufficient to determine the role of this variant in disease. Therefore, it has been classified as a Variant of Uncertain Significance.